The following is an entry in ClinVar:

ClinVar aggregate classification (germline): Uncertain significance (1 of 4 stars; one submission).

Allele frequency attached by ClinVar (database versions not stated): gnomAD exomes below 0.00001.
gnomAD v4.1: 2 of 1,614,124 alleles (0.00012%); highest among the groups gnomAD compares: Non-Finnish European, 0.00017%; no homozygotes.

Submission:

Ambry Genetics
Classification: Uncertain significance. Last evaluated: 2024-09-18. Review status: criteria provided, single submitter. Criteria: Ambry Variant Classification Scheme 2023. Collection method: clinical testing. Allele origin: germline.
Comment: The p.P222S variant (also known as c.664C>T), located in coding exon 4 of the MNDA gene, results from a C to T substitution at nucleotide position 664. The proline at codon 222 is replaced by serine, an amino acid with similar properties. This amino acid position is conserved. In addition, this alteration is predicted to be tolerated by in silico analysis. Since supporting evidence is limited at this time, the clinical significance of this alteration remains unclear.

NM_002432.3(MNDA):c.664C>T (p.Pro222Ser)

Gene: MNDA (myeloid cell nuclear differentiation antigen; plus strand). Cytogenetic location: 1q23.1.
Variant type: single nucleotide variant.
Coding change: c.664C>T on transcript NM_002432.3 (MANE Select); coding-DNA position 664, C replaced by T.
Protein change: p.Pro222Ser; replaces proline 222 with serine.
Molecular consequence: missense variant.
Genome position (GRCh38, 1-based): chr1:158,845,680, C>T. VCF-style: chr1-158845680-C-T. GRCh37 (hg19) VCF-style: chr1-158815470-C-T.
Other names: short protein forms P222S.
Identifiers: ClinVar variation 1754679 (VCV001754679.3), dbSNP rs2526087434, ClinGen allele CA343040968.